The following is an entry in ClinVar:

NM_020778.5(ALPK3):c.4726G>A (p.Val1576Ile)

Gene: ALPK3 (alpha kinase 3; plus strand). Cytogenetic location: 15q25.3.
Variant type: single nucleotide variant.
Coding change: c.4726G>A on transcript NM_020778.5 (MANE Select); coding-DNA position 4726, G replaced by A.
Protein change: p.Val1576Ile; replaces valine 1576 with isoleucine.
Molecular consequence: missense variant.
Genome position (GRCh38, 1-based): chr15:84,867,319, G>A. VCF-style: chr15-84867319-G-A. GRCh37 (hg19) VCF-style: chr15-85410550-G-A.
Other names: p.Val1778Ile; short protein forms V1778I, V1576I.
Identifiers: ClinVar variation 390219 (VCV000390219.16), dbSNP rs769823625, ClinGen allele CA7710071.

ClinVar aggregate classification (germline): Uncertain significance. Review status: criteria provided, multiple submitters, no conflicts (2 of 4 stars). 6 submissions from 6 submitters: Uncertain significance (6). Last evaluated 2026-07-21.

Conditions:
ALPK3-related disorder. Also called: ALPK3-related condition.
Cardiovascular phenotype. Identifiers: MedGen CN230736.

Allele frequency attached by ClinVar (database versions not stated): gnomAD exomes 0.00002; ExAC 0.00003; gnomAD 0.00005 and 0.00006; TOPMed 0.00005.
gnomAD v4.1: 27 of 1,613,832 alleles (0.0017%); highest among the groups gnomAD compares: African/African-American, 0.015%; no homozygotes.

Submissions (6):

GeneDx
Classification: Uncertain significance. Last evaluated: 2026-07-21. Review status: criteria provided, single submitter. Criteria: GeneDx Variant Classification Process June 2021. Collection method: clinical testing. Allele origin: germline.
Comment: Has not been previously published as pathogenic or benign to our knowledge; In silico analysis suggests that this missense variant does not alter protein structure/function

Labcorp Genetics (formerly Invitae), Labcorp
Classification: Uncertain significance. Last evaluated: 2025-12-14. Review status: criteria provided, single submitter. Criteria: Invitae Variant Classification Sherloc (09022015). Collection method: clinical testing. Allele origin: germline.
Comment: This sequence change replaces valine, which is neutral and non-polar, with isoleucine, which is neutral and non-polar, at codon 1778 of the ALPK3 protein (p.Val1778Ile). This variant is present in population databases (rs769823625, gnomAD 0.01%). This variant has not been reported in the literature in individuals affected with ALPK3-related conditions. ClinVar contains an entry for this variant (Variation ID: 390219). An algorithm developed to predict the effect of missense changes on protein structure and function (PolyPhen-2) suggests that this variant is likely to be disruptive. In summary, the available evidence is currently insufficient to determine the role of this variant in disease. Therefore, it has been classified as a Variant of Uncertain Significance.

PreventionGenetics, part of Exact Sciences
Classification: Uncertain significance for ALPK3-related condition. Last evaluated: 2025-08-27. Review status: criteria provided, single submitter. Criteria: ACMG Guidelines, 2015. Collection method: clinical testing. Allele origin: germline.
Comment: The ALPK3 c.5332G>A variant is predicted to result in the amino acid substitution p.Val1778Ile. To our knowledge, this variant has not been reported in the literature. This variant is reported in 0.012% of alleles in individuals of African descent in gnomAD. At this time, the clinical significance of this variant is uncertain due to the absence of conclusive functional and genetic evidence.

Mayo Clinic Laboratories, Mayo Clinic
Classification: Uncertain significance. Last evaluated: 2025-03-10. Review status: criteria provided, single submitter. Criteria: ACMG Guidelines, 2015. Collection method: clinical testing. Allele origin: germline. Observed: 1 variant allele.
Comment: BP4_moderate

Ambry Genetics
Classification: Uncertain significance for Cardiovascular phenotype. Last evaluated: 2023-07-17. Review status: criteria provided, single submitter. Criteria: Ambry Variant Classification Scheme 2023. Collection method: clinical testing. Allele origin: germline.
Comment: The p.V1778I variant (also known as c.5332G>A), located in coding exon 13 of the ALPK3 gene, results from a G to A substitution at nucleotide position 5332. The valine at codon 1778 is replaced by isoleucine, an amino acid with highly similar properties. This amino acid position is well conserved in available vertebrate species. In addition, this alteration is predicted to be tolerated by in silico analysis. Since supporting evidence is limited at this time, the clinical significance of this alteration remains unclear.

Blueprint Genetics
Classification: Uncertain significance. Last evaluated: 2019-03-04. Review status: criteria provided, single submitter. Criteria: ACMG Guidelines, 2015. Collection method: clinical testing. Allele origin: germline.